The following is an entry in ClinVar:

NM_000238.4(KCNH2):c.2100C>T (p.Tyr700=)

Gene: KCNH2 (potassium voltage-gated channel subfamily H member 2; minus strand). Cytogenetic location: 7q36.1.
Variant type: single nucleotide variant.
Coding change: c.2100C>T on transcript NM_000238.4 (MANE Select); coding-DNA position 2100, C replaced by T.
Protein change: p.Tyr700=; no amino-acid change (tyrosine 700 retained).
Molecular consequence: synonymous variant. On other transcripts: non-coding transcript variant (2).
Genome position (GRCh38, 1-based): chr7:150,950,966, G>A on the plus strand (C>T on the coding strand, the complement: KCNH2 is on the minus strand). VCF-style: chr7-150950966-G-A. GRCh37 (hg19) VCF-style: chr7-150648054-G-A.
Other names: c.1080C>T, p.Tyr360= (NM_001204798.2, NM_172057.3); c.1812C>T, p.Tyr604= (NM_001406753.1, NM_001406756.1); c.1923C>T, p.Tyr641= (NM_001406755.1); c.1800C>T, p.Tyr600= (NM_001406757.1); c.2100C>T, p.Tyr700= (NM_172056.3).
Identifiers: ClinVar variation 3074832 (VCV003074832.1), dbSNP rs2486030693, ClinGen allele CA458645348.

ClinVar aggregate classification (germline): Likely benign (1 of 4 stars; one submission).

Conditions:
Long QT syndrome (LQTS). Identifiers: MedGen C0023976, MeSH D008133, MONDO:0002442. Disease mechanism: loss of function. Inheritance: Various modes of inheritance.

Allele frequency attached by ClinVar (database versions not stated): gnomAD exomes below 0.00001.
gnomAD v4.1: 1 of 1,614,248 alleles (0.000062%); highest among the groups gnomAD compares: African/African-American, 0.0013%; no homozygotes.

Submission:

All of Us Research Program, National Institutes of Health
Classification: Likely benign for Long QT syndrome. Last evaluated: 2023-12-13. Review status: criteria provided, single submitter. Criteria: ACMG Guidelines, 2015. Collection method: clinical testing. Allele origin: germline. Inheritance: Autosomal dominant inheritance. Observed: 1 variant allele, 1 heterozygote.
Comment: This study involves interpretation of variants in research participants for the purpose of population health screening. Participant phenotype was not available at the time of variant classification. Additional details can be found in publication PMID: 35346344, PMCID: PMC8962531